The following is an entry in ClinVar:

NM_006941.4(SOX10):c.119C>A (p.Ser40Ter)

Genes: POLR2F (RNA polymerase II, I and III subunit F; plus strand), SOX10 (SRY-box transcription factor 10; minus strand). Cytogenetic location: 22q13.1.
Variant type: single nucleotide variant.
Coding change: c.119C>A on transcript NM_006941.4 (MANE Select); coding-DNA position 119, C replaced by A.
Protein change: p.Ser40Ter; replaces serine 40 with a stop codon.
Molecular consequence: nonsense. On other transcripts: intron variant (3).
Genome position (GRCh38, 1-based): chr22:37,983,666, G>T on the plus strand (C>A on the coding strand, the complement: SOX10 is on the minus strand). VCF-style: chr22-37983666-G-T. GRCh37 (hg19) VCF-style: chr22-38379673-G-T.
Other names: c.293+16496G>T (NM_001301131.2); c.*38+11356G>T (NM_001363825.1); c.294-2488G>T (NM_001301130.2); short protein forms S40*.
Identifiers: ClinVar variation 3775367 (VCV003775367.1).
Genomic context (GRCh38, chr22:37,983,666, plus strand): 5'-TCCTGCTGCTCCTTCTTGACCTTGCCCAGCTCGCCTGGCCCCGGGCTGGCTCGCAGGCCC[G>T]ATCCGCCGCCGCCGCCGTCGGGCCCTAGCGAGGGCGCGCTCCCCGGGGACAGGCAGCGGG-3'

ClinVar aggregate classification (germline): Pathogenic (1 of 4 stars; one submission).

Conditions:
Waardenburg syndrome type 2E (WS2E). Also called: HYPOGONADOTROPIC HYPOGONADISM WITH ANOSMIA AND DEAFNESS, WITH OR WITHOUT HYPOPIGMENTATION; WAARDENBURG SYNDROME, TYPE 2E, WITH OR WITHOUT NEUROLOGIC INVOLVEMENT; WS2E, WITH OR WITHOUT NEUROLOGIC INVOLVEMENT. Identifiers: Orphanet 3440, MedGen C2700405, MONDO:0012698, OMIM 611584.

Submission:

3billion
Classification: Pathogenic for Waardenburg syndrome type 2E. Last evaluated: 2023-11-14. Review status: criteria provided, single submitter. Criteria: ACMG Guidelines, 2015. Collection method: clinical testing. Allele origin: germline. Affected: yes.
Comment: The variant is not observed in the gnomAD v2.1.1 dataset. Predicted Consequence/Location: Stop-gained (nonsense): predicted to result in a loss or disruption of normal protein function through nonsense-mediated decay (NMD) or protein truncation. Multiple pathogenic variants are reported downstream of the variant. The variant has been reported to be associated with SOX10 related disorder (PMID: 27759048 /3billion dataset). Therefore, this variant is classified as Pathogenic according to the recommendation of ACMG/AMP guideline.

Literature cited by the submitters: PubMed 27759048.